The following is an entry in ClinVar:

ClinVar aggregate classification (germline): Uncertain significance. Review status: criteria provided, multiple submitters, no conflicts (2 of 4 stars). 2 submissions from 2 submitters: Uncertain significance (2). Last evaluated 2021-09-24.

Conditions:
Congenital lactase deficiency. Also called: ALACTASIA, CONGENITAL; DISACCHARIDE INTOLERANCE II. Identifiers: Orphanet 53690, MedGen C0268179, MONDO:0009115, OMIM 223000.

Allele frequency attached by ClinVar (database versions not stated): gnomAD exomes below 0.00001 and 0.00002; TOPMed 0.00001; ExAC 0.00002.
gnomAD v4.1: 7 of 1,614,150 alleles (0.00043%); highest among the groups gnomAD compares: African/African-American, 0.0013%; no homozygotes.

Submissions (2):

Labcorp Genetics (formerly Invitae), Labcorp
Classification: Uncertain significance. Last evaluated: 2021-09-24. Review status: criteria provided, single submitter. Criteria: Invitae Variant Classification Sherloc (09022015). Collection method: clinical testing. Allele origin: germline.
Comment: This sequence change replaces isoleucine with leucine at codon 1572 of the LCT protein (p.Ile1572Leu). The isoleucine residue is moderately conserved and there is a small physicochemical difference between isoleucine and leucine. This variant is present in population databases (rs757978538, ExAC 0.003%). This variant has not been reported in the literature in individuals with LCT-related conditions. ClinVar contains an entry for this variant (Variation ID: 893214). Algorithms developed to predict the effect of missense changes on protein structure and function output the following: SIFT: "Not Available"; PolyPhen-2: "Benign"; Align-GVGD: "Not Available". The leucine amino acid residue is found in multiple mammalian species, suggesting that this missense change does not adversely affect protein function. These predictions have not been confirmed by published functional studies and their clinical significance is uncertain. In summary, the available evidence is currently insufficient to determine the role of this variant in disease. Therefore, it has been classified as a Variant of Uncertain Significance.

Illumina Laboratory Services, Illumina
Classification: Uncertain significance for Congenital lactase deficiency. Last evaluated: 2018-01-13. Review status: criteria provided, single submitter. Criteria: ICSL Variant Classification Criteria 13 December 2019. Collection method: clinical testing. Allele origin: germline.

NM_002299.4(LCT):c.4714A>T (p.Ile1572Leu)

Gene: LCT (lactase; minus strand). Cytogenetic location: 2q21.3.
Variant type: single nucleotide variant.
Coding change: c.4714A>T on transcript NM_002299.4 (MANE Select); coding-DNA position 4714, A replaced by T.
Protein change: p.Ile1572Leu; replaces isoleucine 1572 with leucine.
Molecular consequence: missense variant.
Genome position (GRCh38, 1-based): chr2:135,800,759, T>A on the plus strand (A>T on the coding strand, the complement: LCT is on the minus strand). VCF-style: chr2-135800759-T-A. GRCh37 (hg19) VCF-style: chr2-136558329-T-A.
Other names: short protein forms I1572L.
Identifiers: ClinVar variation 893214 (VCV000893214.8), dbSNP rs757978538, ClinGen allele CA1887784.